The following is an entry in ClinVar:

ClinVar aggregate classification (germline): Uncertain significance (1 of 4 stars; one submission).

Conditions:
Meckel-Gruber syndrome. Also called: DYSENCEPHALIA SPLANCHNOCYSTICA; GRUBER SYNDROME; Dysencephalia splachnocystica. Identifiers: Orphanet 564, MedGen C0265215, MONDO:0018921.
Joubert syndrome. Also called: CEREBELLOPARENCHYMAL DISORDER IV; JOUBERT-BOLTSHAUSER SYNDROME; Familial aplasia of the vermis. Identifiers: Orphanet 475, MedGen C5979921, MONDO:0018772.

Submission:

Labcorp Genetics (formerly Invitae), Labcorp
Classification: Uncertain significance for Joubert syndrome; Meckel-Gruber syndrome. Last evaluated: 2021-09-01. Review status: criteria provided, single submitter. Criteria: Invitae Variant Classification Sherloc (09022015). Collection method: clinical testing. Allele origin: germline.
Comment: This sequence change replaces serine with arginine at codon 460 of the TCTN1 protein (p.Ser460Arg). The serine residue is weakly conserved and there is a moderate physicochemical difference between serine and arginine. This variant is not present in population databases (ExAC no frequency). This variant has not been reported in the literature in individuals affected with TCTN1-related conditions. Algorithms developed to predict the effect of missense changes on protein structure and function are either unavailable or do not agree on the potential impact of this missense change (SIFT: "Deleterious"; PolyPhen-2: "Benign"; Align-GVGD: "Class C15"). In summary, the available evidence is currently insufficient to determine the role of this variant in disease. Therefore, it has been classified as a Variant of Uncertain Significance.

NM_001082538.3(TCTN1):c.1380C>G (p.Ser460Arg)

Gene: TCTN1 (tectonic family member 1; plus strand). Cytogenetic location: 12q24.11.
Variant type: single nucleotide variant.
Coding change: c.1380C>G on transcript NM_001082538.3 (MANE Select); coding-DNA position 1380, C replaced by G.
Protein change: p.Ser460Arg; replaces serine 460 with arginine.
Molecular consequence: missense variant. On other transcripts: non-coding transcript variant (1).
Genome position (GRCh38, 1-based): chr12:110,645,015, C>G. VCF-style: chr12-110645015-C-G. GRCh37 (hg19) VCF-style: chr12-111082820-C-G.
Other names: c.1380C>G, p.Ser460Arg (NM_001082537.3); c.1212C>G, p.Ser404Arg (NM_001173975.3); c.1053C>G, p.Ser351Arg (NM_001173976.2); c.1233C>G, p.Ser411Arg (NM_001319680.2); c.846C>G, p.Ser282Arg (NM_001319681.2); c.1338C>G, p.Ser446Arg (NM_024549.6); short protein forms S282R, S404R, S446R, S351R, S411R, S460R.
Identifiers: ClinVar variation 1473461 (VCV001473461.5), dbSNP rs2136171528, ClinGen allele CA386705732.
Genomic context (GRCh38, chr12:110,645,015, plus strand): 5'-TCCTTCACCAAGACTGACTGGAGCTCTCCCGTGTCAGCTCGTAGCACAGAAGGTGAAGAG[C>G]CTGCTGTGGGGCCAGGGCTTCCCAGATTACGTGGCCCCTTTTGGAAATTCCCAGGCCCAG-3'
Protein context (NP_001076007.1, residues 450-470): PCQLVAQKVK[Ser460Arg]LLWGQGFPDY